The following is an entry in ClinVar:

ClinVar aggregate classification (germline): Benign. Review status: criteria provided, multiple submitters, no conflicts (2 of 4 stars). 2 submissions from 2 submitters: Benign (2). Last evaluated 2019-10-17.

Conditions:
Leigh syndrome (NULS). Also called: Leigh's necrotizing encephalopathy; Leigh's disease; Leigh Syndrome (mtDNA deletion); Leigh Disease; Subacute necrotizing encephalopathy; Necrotizing encephalopathy infantile subacute of Leigh. Identifiers: Orphanet 506, MedGen C2931891, MONDO:0009723, OMIM 256000.

Submissions (2):

Wong Mito Lab, Molecular and Human Genetics, Baylor College of Medicine
Classification: Benign for Leigh syndrome. Last evaluated: 2019-10-17. Review status: criteria provided, single submitter. Criteria: Modified ACMG Guidelines (Unpublished). Collection method: clinical testing. Allele origin: germline.
Comment: The NC_012920.1:m.4123A>G (YP_003024026.1:p.Ile273Val) variant in MTND1 gene is interpretated to be a Benign variant based on the modified ACMG guidelines (unpublished). This variant meets the following evidence codes: BS1, BS2, BP4

Breakthrough Genomics
Classification: Benign. Review status: criteria provided, single submitter. Criteria: ACMG Guidelines, 2015. Collection method: not provided. Allele origin: germline. Inheritance: Unknown mechanism. Affected: yes.

NC_012920.1(MT-ND1):m.4123A>G

Gene: MT-ND1 (mitochondrially encoded NADH dehydrogenase 1; plus strand).
Variant type: single nucleotide variant.
Genome position: chrM-4123-A-G.
Identifiers: ClinVar variation 692425 (VCV000692425.2), dbSNP rs200764459, ClinGen allele CA337096799.